The following is an entry in ClinVar:

NM_018082.6(POLR3B):c.3333G>C (p.Lys1111Asn)

Genes: POLR3B (RNA polymerase III subunit B; plus strand), RFX4-AS1 (RFX4 antisense RNA 1; minus strand). Cytogenetic location: 12q23.3.
Variant type: single nucleotide variant.
Coding change: c.3333G>C on transcript NM_018082.6 (MANE Select); coding-DNA position 3333, G replaced by C.
Protein change: p.Lys1111Asn; replaces lysine 1111 with asparagine.
Molecular consequence: missense variant.
Genome position (GRCh38, 1-based): chr12:106,509,480, G>C. VCF-style: chr12-106509480-G-C. GRCh37 (hg19) VCF-style: chr12-106903258-G-C.
Other names: c.3159G>C, p.Lys1053Asn (NM_001160708.2); short protein forms K1053N, K1111N.
Identifiers: ClinVar variation 4822091 (VCV004822091.4).

ClinVar aggregate classification (germline): Uncertain significance (1 of 4 stars; one submission).

gnomAD v4.1: 1 of 1,613,592 alleles (0.000062%); highest among the groups gnomAD compares: Non-Finnish European, 0.000085%; no homozygotes.

Submission:

CeGaT Center for Human Genetics Tuebingen
Classification: Uncertain significance. Last evaluated: 2026-03-01. Review status: criteria provided, single submitter. Criteria: CeGaT Center For Human Genetics Tuebingen Variant Classification Criteria Version 2. Collection method: clinical testing. Allele origin: germline. Affected: yes. Observed: 1 variant allele.
Comment: POLR3B: PM2, PP3